The following is an entry in ClinVar:

NM_001349206.2(LPIN1):c.1734G>A (p.Met578Ile)

Gene: LPIN1 (lipin 1; plus strand). Cytogenetic location: 2p25.1.
Variant type: single nucleotide variant.
Coding change: c.1734G>A on transcript NM_001349206.2 (MANE Select); coding-DNA position 1734, G replaced by A.
Protein change: p.Met578Ile; replaces methionine 578 with isoleucine.
Molecular consequence: missense variant. On other transcripts: non-coding transcript variant (1).
Genome position (GRCh38, 1-based): chr2:11,791,934, G>A. VCF-style: chr2-11791934-G-A. GRCh37 (hg19) VCF-style: chr2-11932060-G-A.
Other names: c.1644G>A, p.Met548Ile (NM_001261427.3); c.1881G>A, p.Met627Ile (NM_001261428.3); c.1626G>A, p.Met542Ile (NM_001349199.2, NM_145693.4); c.1704G>A, p.Met568Ile (NM_001349200.2, NM_001349201.2); c.1731G>A, p.Met577Ile (NM_001349202.2, NM_001349203.2); c.1734G>A, p.Met578Ile (NM_001349204.2, NM_001349205.2); c.1824G>A, p.Met608Ile (NM_001349207.2); c.1773G>A, p.Met591Ile (NM_001349208.2); short protein forms M542I, M548I, M578I, M591I, M627I, M568I, M577I, M608I.
Identifiers: ClinVar variation 4990077 (VCV004990077.1).

ClinVar aggregate classification (germline): Uncertain significance (1 of 4 stars; one submission).

Conditions:
LPIN1-related disorder. Also called: LPIN1-related condition.

gnomAD v4.1: 17 of 1,613,862 alleles (0.0011%); highest among the groups gnomAD compares: Non-Finnish European, 0.0013%; no homozygotes.

Submission:

PreventionGenetics, part of Exact Sciences
Classification: Uncertain significance for LPIN1-related condition. Last evaluated: 2025-06-05. Review status: criteria provided, single submitter. Criteria: ACMG Guidelines, 2015. Collection method: clinical testing. Allele origin: germline.
Comment: The LPIN1 c.1626G>A variant is predicted to result in the amino acid substitution p.Met542Ile. To our knowledge, this variant has not been reported in the literature. This variant is reported in 0.0018% of alleles in individuals of European (Non-Finnish) descent in gnomAD. At this time, the clinical significance of this variant is uncertain due to the absence of conclusive functional and genetic evidence.